The following is an entry in ClinVar:

NM_000492.4(CFTR):c.116A>C (p.Gln39Pro)

Gene: CFTR (CF transmembrane conductance regulator; plus strand). Cytogenetic location: 7q31.2.
Variant type: single nucleotide variant.
Coding change: c.116A>C on transcript NM_000492.4 (MANE Select); coding-DNA position 116, A replaced by C.
Protein change: p.Gln39Pro; replaces glutamine 39 with proline.
Molecular consequence: missense variant.
Genome position (GRCh38, 1-based): chr7:117,504,315, A>C. VCF-style: chr7-117504315-A-C. GRCh37 (hg19) VCF-style: chr7-117144369-A-C.
Other names: short protein forms Q39P.
Identifiers: ClinVar variation 2046891 (VCV002046891.5), dbSNP rs996012692, ClinGen allele CA164963691.

ClinVar aggregate classification (germline): Uncertain significance. Review status: criteria provided, multiple submitters, no conflicts (2 of 4 stars). 2 submissions from 2 submitters: Uncertain significance (2). Last evaluated 2023-07-14.

Conditions:
Cystic fibrosis (CF). Also called: MUCOVISCIDOSIS. Identifiers: Orphanet 586, MedGen C0010674, MONDO:0009061, OMIM 219700. Disease mechanism: loss of function.

gnomAD v4.1: 1 of 1,612,604 alleles (0.000062%); no homozygotes.

Submissions (2):

Blueprint Genetics
Classification: Uncertain significance. Last evaluated: 2023-07-14. Review status: criteria provided, single submitter. Criteria: ACMG Guidelines, 2015. Collection method: clinical testing. Allele origin: germline.

Labcorp Genetics (formerly Invitae), Labcorp
Classification: Uncertain significance for Cystic fibrosis. Last evaluated: 2022-08-21. Review status: criteria provided, single submitter. Criteria: Invitae Variant Classification Sherloc (09022015). Collection method: clinical testing. Allele origin: germline.
Comment: In summary, the available evidence is currently insufficient to determine the role of this variant in disease. Therefore, it has been classified as a Variant of Uncertain Significance. Algorithms developed to predict the effect of missense changes on protein structure and function are either unavailable or do not agree on the potential impact of this missense change (SIFT: "Deleterious"; PolyPhen-2: "Benign"; Align-GVGD: "Class C0"). This variant has not been reported in the literature in individuals affected with CFTR-related conditions. This variant is not present in population databases (gnomAD no frequency). This sequence change replaces glutamine, which is neutral and polar, with proline, which is neutral and non-polar, at codon 39 of the CFTR protein (p.Gln39Pro).